The following is an entry in ClinVar:

NM_001173464.2(KIF21A):c.1160A>G (p.Asn387Ser)

Gene: KIF21A (kinesin family member 21A; minus strand). Cytogenetic location: 12q12.
Variant type: single nucleotide variant.
Coding change: c.1160A>G on transcript NM_001173464.2 (MANE Select); coding-DNA position 1160, A replaced by G.
Protein change: p.Asn387Ser; replaces asparagine 387 with serine.
Molecular consequence: missense variant.
Genome position (GRCh38, 1-based): chr12:39,358,233, T>C on the plus strand (A>G on the coding strand, the complement: KIF21A is on the minus strand). VCF-style: chr12-39358233-T-C. GRCh37 (hg19) VCF-style: chr12-39752035-T-C.
Other names: c.1160A>G, p.Asn387Ser (NM_001173463.2, NM_001173465.2, NM_017641.4); short protein forms N387S.
Identifiers: ClinVar variation 308585 (VCV000308585.10), dbSNP rs745692702, ClinGen allele CA6511100.
Genomic context (GRCh38, chr12:39,358,233, plus strand): 5'-CTTACTGTTTTGTACTCCATGAGCTCCATCTGAAGTCGTGTGATTTCACTACGAAGTGCA[T>C]TGATTTGCTGACTAGCTCTGTCCTGATTGACCATCACCTTATTCTTGATATTTCTAGCTC-3'
Protein context (NP_001166935.1, residues 377-397): VNQDRASQQI[Asn387Ser]ALRSEITRLQ

ClinVar aggregate classification (germline): Conflicting classifications of pathogenicity. Review status: criteria provided, conflicting classifications (1 of 4 stars). 3 submissions from 3 submitters: Uncertain significance (1); Benign (2). Last evaluated 2024-01-09.

Conditions:
Inborn genetic diseases. Identifiers: MedGen C0950123, MeSH D030342.
Congenital fibrosis of extraocular muscles type 1. Also called: CFEOM3B; BLEPHAROPTOSIS WITH ABSENT EYE MOVEMENTS; OPHTHALMOPLEGIA, CONGENITAL; FEOM1 LOCUS. Identifiers: MedGen C1851102, MONDO:0021083, OMIM 135700.

Allele frequency attached by ClinVar (database versions not stated): gnomAD exomes 0.00002 and 0.00003; TOPMed 0.00003; gnomAD 0.00001 and 0.00002; ExAC 0.00005.
gnomAD v4.1: 60 of 1,614,126 alleles (0.0037%); highest among the groups gnomAD compares: East Asian, 0.029%; 1 homozygote.

Submissions (3):

Ambry Genetics
Classification: Uncertain significance for Inborn genetic diseases. Last evaluated: 2024-01-09. Review status: criteria provided, single submitter. Criteria: Ambry Variant Classification Scheme 2023. Collection method: clinical testing. Allele origin: germline.

Labcorp Genetics (formerly Invitae), Labcorp
Classification: Benign. Last evaluated: 2019-12-31. Review status: criteria provided, single submitter. Criteria: Invitae Variant Classification Sherloc (09022015). Collection method: clinical testing. Allele origin: germline.

Illumina Laboratory Services, Illumina
Classification: Benign for Congenital fibrosis of extraocular muscles type 1. Last evaluated: 2018-01-13. Review status: criteria provided, single submitter. Criteria: ICSL Variant Classification Criteria 13 December 2019. Collection method: clinical testing. Allele origin: germline.
Comment: This variant was observed in the ICSL laboratory as part of a predisposition screen in an ostensibly healthy population. It had not been previously curated by ICSL or reported in the Human Gene Mutation Database (HGMD: prior to June 1st, 2018), and was therefore a candidate for classification through an automated scoring system. Utilizing variant allele frequency, disease prevalence and penetrance estimates, and inheritance mode, an automated score was calculated to assess if this variant is too frequent to cause the disease. Based on the score and internal cut-off values, a variant classified as benign is not then subjected to further curation. The score for this variant resulted in a classification of benign for this disease.